The following is an entry in ClinVar:

ClinVar aggregate classification (germline): Uncertain significance (1 of 4 stars; one submission).

Allele frequency attached by ClinVar (database versions not stated): gnomAD exomes below 0.00001.
gnomAD v4.1: 1 of 1,613,984 alleles (0.000062%); highest among the groups gnomAD compares: East Asian, 0.0022%; no homozygotes.

Submission:

GeneDx
Classification: Uncertain significance. Last evaluated: 2019-03-29. Review status: criteria provided, single submitter. Criteria: GeneDx Variant Classification Process June 2021. Collection method: clinical testing. Allele origin: germline. Affected: yes.
Comment: Not observed in large population cohorts (Lek et al., 2016); In silico analysis, which includes protein predictors and evolutionary conservation, supports that this variant does not alter protein structure/function; Has not been previously published as pathogenic or benign to our knowledge

NM_001291303.3(FAT4):c.9004A>G (p.Thr3002Ala)

Gene: FAT4 (FAT atypical cadherin 4; plus strand). Cytogenetic location: 4q28.1.
Variant type: single nucleotide variant.
Coding change: c.9004A>G on transcript NM_001291303.3 (MANE Select); coding-DNA position 9004, A replaced by G.
Protein change: p.Thr3002Ala; replaces threonine 3002 with alanine.
Molecular consequence: missense variant.
Genome position (GRCh38, 1-based): chr4:125,450,014, A>G. VCF-style: chr4-125450014-A-G. GRCh37 (hg19) VCF-style: chr4-126371169-A-G.
Other names: c.9004A>G, p.Thr3002Ala (NM_001291285.3); c.8998A>G, p.Thr3000Ala (NM_024582.6); short protein forms T3000A, T3002A.
Identifiers: ClinVar variation 1213349 (VCV001213349.3), dbSNP rs2126058899, ClinGen allele CA358148843.
Genomic context (GRCh38, chr4:125,450,014, plus strand): 5'-GCACCTCAATTTCTTAAAAGTAAATATTTCACTCCAGTCACCAAAAATGTTAAGGTTGGT[A>G]CGAAGTTAATCAGAGTTACAGCAATAGATGACAAAGATTTTGGACTGAATTCAGAAGTGG-3'
Protein context (NP_001278232.1, residues 2992-3012): TPVTKNVKVG[Thr3002Ala]KLIRVTAIDD